The following is an entry in ClinVar:

NM_005883.3(APC2):c.5721G>T (p.Pro1907=)

Genes: APC2 (APC regulator of Wnt signaling pathway 2; plus strand), LOC130062956 (ATAC-STARR-seq lymphoblastoid silent region 9718; plus strand). Cytogenetic location: 19p13.3.
Variant type: single nucleotide variant.
Coding change: c.5721G>T on transcript NM_005883.3 (MANE Select); coding-DNA position 5721, G replaced by T.
Protein change: p.Pro1907=; no amino-acid change (proline 1907 retained).
Molecular consequence: synonymous variant.
Genome position (GRCh38, 1-based): chr19:1,469,022, G>T. VCF-style: chr19-1469022-G-T. GRCh37 (hg19) VCF-style: chr19-1469021-G-T.
Other names: c.5718G>T, p.Pro1906= (NM_001351273.1).
Identifiers: ClinVar variation 2648931 (VCV002648931.24), dbSNP rs2084081590, ClinGen allele CA504898253.
Genomic context (GRCh38, chr19:1,469,022, plus strand): 5'-CAGAAAGCGCCCCCCGGTCACCCAGGCTGCTGGGGCCCTGCCCGGCCCCGGAGCCTCCCC[G>T]GTGCCCAAAACGCCGGCGCGCACCCTTCTGGCGAAGCAGCACAAGACGCAGAGATCGCCC-3'
Protein context (NP_005874.1, residues 1897-1917): AGALPGPGAS[Pro1907=]VPKTPARTLL

ClinVar aggregate classification (germline): Likely benign (1 of 4 stars; one submission).

Submission:

CeGaT Center for Human Genetics Tuebingen
Classification: Likely benign. Last evaluated: 2023-05-01. Review status: criteria provided, single submitter. Criteria: CeGaT Center For Human Genetics Tuebingen Variant Classification Criteria Version 2. Collection method: clinical testing. Allele origin: germline. Affected: yes. Observed: 1 variant allele.
Comment: APC2: PM2:Supporting, BP4, BP7